The following is an entry in ClinVar:

NM_012282.4(KCNE5):c.391G>T (p.Gly131Trp)

Gene: KCNE5 (potassium voltage-gated channel subfamily E regulatory subunit 5; minus strand). Cytogenetic location: Xq23.
Variant type: single nucleotide variant.
Coding change: c.391G>T on transcript NM_012282.4 (MANE Select); coding-DNA position 391, G replaced by T.
Protein change: p.Gly131Trp; replaces glycine 131 with tryptophan.
Molecular consequence: missense variant.
Genome position (GRCh38, 1-based): chrX:109,624,630, C>A on the plus strand (G>T on the coding strand, the complement: KCNE5 is on the minus strand). VCF-style: chrX-109624630-C-A. GRCh37 (hg19) VCF-style: chrX-108867859-C-A.
Other names: short protein forms G131W.
Identifiers: ClinVar variation 4090245 (VCV004090245.1).

ClinVar aggregate classification (germline): Uncertain significance (1 of 4 stars; one submission).

Submission:

Ambry Genetics
Classification: Uncertain significance. Last evaluated: 2025-06-28. Review status: criteria provided, single submitter. Criteria: Ambry Variant Classification Scheme 2023. Collection method: clinical testing. Allele origin: germline.
Comment: The p.G131W variant (also known as c.391G>T), located in coding exon 1 of the KCNE5 gene, results from a G to T substitution at nucleotide position 391. The glycine at codon 131 is replaced by tryptophan, an amino acid with highly dissimilar properties. This amino acid position is conserved. In addition, this alteration is predicted to be tolerated by in silico analysis. Based on the available evidence, the clinical significance of this variant remains unclear.